The following is an entry in ClinVar:

ClinVar aggregate classification (germline): Pathogenic; drug response. Review status: reviewed by expert panel (3 of 4 stars). 15 submissions from 15 submitters: Pathogenic (1). 13 of the submissions do not count toward it. Last evaluated 2021-03-24.

Conditions:
Bronchiectasis with or without elevated sweat chloride 1 (BESC1). Also called: Cystic Fibrosis-Like Syndrome. Identifiers: Orphanet 60033, MedGen C2749757, MONDO:0008887, OMIM 211400.
CFTR-related disorder (CFTR-RD). Also called: CFTR-related disorders; CFTR-related condition. Identifiers: MedGen C5924204, MONDO:7770004.
Hereditary pancreatitis (PCTT). Also called: Hereditary chronic pancreatitis; PRSS1-Related Hereditary Pancreatitis. Identifiers: Orphanet 676, MedGen C0238339, MONDO:0008185, OMIM 167800.
Cystic fibrosis (CF). Also called: MUCOVISCIDOSIS. Identifiers: Orphanet 586, MedGen C0010674, MONDO:0009061, OMIM 219700. Disease mechanism: loss of function.
ivacaftor response - Efficacy. Identifiers: MedGen CN322735.

Allele frequency attached by ClinVar (database versions not stated): gnomAD exomes below 0.00001; TOPMed below 0.00001.
gnomAD v4.1: 3 of 1,609,772 alleles (0.00019%); highest among the groups gnomAD compares: Admixed American, 0.0017%; no homozygotes.

Submissions 1 to 9 of 15:

ClinPGx
Classification: drug response for ivacaftor response - Efficacy. Last evaluated: 2021-03-24. Review status: reviewed by expert panel. Criteria: Pharmacogenomics knowledge for personalized medicine. Collection method: curation. Allele origin: germline. Affected: yes.
Comment: PharmGKB Level of Evidence 1A: Level 1A clinical annotations describe variant-drug combinations that have variant-specific prescribing guidance available in a current clinical guideline annotation or an FDA-approved drug label annotation. Annotations of drug labels or clinical guidelines must give prescribing guidance for specific variants (e.g. CYP2C9*3, HLA-B*57:01) or provide mapping from defined allele functions to diplotypes and phenotypes to be used as supporting evidence for a level 1A clinical annotation. Level 1A clinical annotations must also be supported by at least one publication in addition to a clinical guideline or drug label with variant-specific prescribing guidance.

Drug is not necessarily used to treat response condition

CFTR2
Classification: Pathogenic for Cystic fibrosis. Last evaluated: 2017-03-17. Review status: reviewed by expert panel. Criteria: Sosnay PR et al. (Nat Genet 2013). Collection method: research. Allele origin: germline. Affected: yes. Study: CFTR2.

3billion
Classification: Pathogenic for Cystic fibrosis. Last evaluated: 2025-11-10. Review status: criteria provided, single submitter. Criteria: ACMG Guidelines, 2015. Collection method: clinical testing. Allele origin: germline. Affected: yes. Not counted in ClinVar's aggregate classification.
Comment: The variant is observed at an extremely low frequency in the gnomAD v4.1.0 dataset (total allele frequency: <0.001%). Predicted Consequence/Location: Missense variant Functional studies provide moderate evidence of the variant having a damaging effect on the gene or gene product (PMID: 11242048, 19019741). In silico tool predictions suggest damaging effect of the variant on gene or gene product [REVEL: 0.99 (>=0.6, sensitivity 0.68 and specificity 0.92); 3Cnet: 0.91 (> 0.75, sensitivity 0.96 and precision 0.92)]. The same nucleotide change resulting in the same amino acid change has been previously reported as pathogenic/likely pathogenic with strong evidence (ClinVar ID: VCV000007142 /PMID: 1284534). Different missense changes at the same codon (p.Gly551Ala, p.Gly551Asp, p.Gly551Val) have been reported as pathogenic/likely pathogenic with strong evidence (ClinVar ID: VCV000007120, VCV001333303 /PMID: 2236053, 9797105 /3billion dataset). Therefore, this variant is classified as Pathogenic according to the recommendation of ACMG/AMP guideline.

Natera, Inc.
Classification: Pathogenic for CFTR-related disorders. Last evaluated: 2025-08-16. Review status: criteria provided, single submitter. Criteria: Natera Variant Classification Schema (03/2026). Collection method: clinical testing. Allele origin: germline. Not counted in ClinVar's aggregate classification.
Comment: The c.1651G>A variant in CFTR is a missense variant predicted to cause substitution of glycine to serine at amino acid 551. This variant is rare in the general population with a frequency below the threshold expected for the associated phenotype(s). This variant has been observed in one or more individuals affected with the associated recessive disease, as either homozygous or compound heterozygous with a second variant (PMID: 30888834, 8947061, 7606851). Additionally, this variant has been observed to segregate in affected family members (PMID: 7606851). A different variant at the same position has been determined to be Pathogenic or Likely Pathogenic. Computational prediction algorithms indicate this variant is likely to affect gene or protein function. Given the available evidence, this variant is classified as Pathogenic.

Quest Diagnostics Nichols Institute San Juan Capistrano
Classification: Pathogenic. Last evaluated: 2024-12-18. Review status: criteria provided, single submitter. Criteria: Quest Diagnostics criteria. Collection method: clinical testing. Allele origin: unknown. Not counted in ClinVar's aggregate classification.
Comment: The CFTR c.1651G>A (p.Gly551Ser) variant has been reported in the published literature in individuals with cystic fibrosis as homozygous (PMID: 1944451 (1991)) or as compound heterozygous along with F508del variant (PMID: 7606851 (1995), 30888834 (2019)). This variant may be associated with a milder presentation than typical pathogenic variants in this gene. Published functional studies showed that this variant did not affect bicarbonate permeability and chloride transport functions of CFTR but affected probability of channel opening, activation of chloride conductance and bicarbonate transport by 59% (PMID: 1382316 (1992), 8741733 (1996), 11242048 (2009), 19019741 (2009))). The frequency of this variant in the general population (Genome Aggregation Database) is uninformative in the assessment of its pathogenicity. Analysis of this variant using bioinformatics tools for the prediction of the effect of amino acid changes on protein structure and function yielded predictions that this variant is damaging. Based on the available information, this variant is classified as pathogenic.

Ambry Genetics
Classification: Pathogenic for Cystic fibrosis. Last evaluated: 2024-04-11. Review status: criteria provided, single submitter. Criteria: Ambry Variant Classification Scheme 2023. Collection method: clinical testing. Allele origin: germline. Not counted in ClinVar's aggregate classification.
Comment: The p.G551S pathogenic mutation (also known as c.1651G>A and 1783G>A), located in coding exon 12 of the CFTR gene, results from a G to A substitution at nucleotide position 1651. The glycine at codon 551 is replaced by serine, an amino acid with similar properties. This mutation was first described in two Caucasian siblings homozygous for this mutation with mild pulmonary symptoms, pancreatic sufficiency, and normal sweat chloride levels (Strong TV et al. N. Engl. J. Med., 1991 Dec;325:1630-4). This mutation has also been described in three Mexican siblings with mild pulmonary symptoms, pancreatic sufficiency, elevated sweat chloride levels, and the p.F508del mutation confirmed in trans (Orozco L et al. Clin. Genet., 1995 Feb;47:96-8). Codon 551 resides within nucleotide-binding domain 1 (NBD1) of the CFTR protein and in vitro functional studies have shown that the p.G551S mutation decreased chloride channel activity compared to the wild-type CFTR protein (Anderson MP et al. Science, 1992 Sep;257:1701-4; Yu H et al. J. Cyst. Fibros., 2012 May;11:237-45). In addition, this alteration is predicted to be deleterious by in silico analysis. Based on the supporting evidence, this alteration is interpreted as a disease-causing mutation.

Baylor Genetics
Classification: Pathogenic for Bronchiectasis with or without elevated sweat chloride 1. Last evaluated: 2023-02-01. Review status: criteria provided, single submitter. Criteria: ACMG Guidelines, 2015. Collection method: clinical testing. Allele origin: unknown. Not counted in ClinVar's aggregate classification.

Labcorp Genetics (formerly Invitae), Labcorp
Classification: Pathogenic for Cystic fibrosis. Last evaluated: 2022-07-04. Review status: criteria provided, single submitter. Criteria: Invitae Variant Classification Sherloc (09022015). Collection method: clinical testing. Allele origin: germline. Not counted in ClinVar's aggregate classification.
Comment: This sequence change replaces glycine, which is neutral and non-polar, with serine, which is neutral and polar, at codon 551 of the CFTR protein (p.Gly551Ser). This variant is present in population databases (rs121909013, gnomAD 0.003%). This missense change has been observed in individual(s) with cystic fibrosis (PMID: 1944451, 7606851, 23974870). In at least one individual the data is consistent with being in trans (on the opposite chromosome) from a pathogenic variant. It has also been observed to segregate with disease in related individuals. This variant is also known as 1783G>A. ClinVar contains an entry for this variant (Variation ID: 7142). Advanced modeling of protein sequence and biophysical properties (such as structural, functional, and spatial information, amino acid conservation, physicochemical variation, residue mobility, and thermodynamic stability) performed at Invitae indicates that this missense variant is expected to disrupt CFTR protein function. Experimental studies have shown that this missense change affects CFTR function (PMID: 11242048, 22293084). This variant disrupts the p.Gly551 amino acid residue in CFTR. Other variant(s) that disrupt this residue have been determined to be pathogenic (PMID: 1379413, 1695717, 8605891, 19734299). This suggests that this residue is clinically significant, and that variants that disrupt this residue are likely to be disease-causing. For these reasons, this variant has been classified as Pathogenic.

Mendelics
Classification: Pathogenic for Hereditary pancreatitis. Last evaluated: 2022-05-04. Review status: criteria provided, single submitter. Criteria: Mendelics Assertion Criteria 2019. Collection method: clinical testing. Allele origin: germline. Not counted in ClinVar's aggregate classification.

NM_000492.4(CFTR):c.1651G>A (p.Gly551Ser)

Genes: CFTR (CF transmembrane conductance regulator; plus strand), LOC111674475 (CFTR intron 11 enhancer; plus strand). Cytogenetic location: 7q31.2.
Variant type: single nucleotide variant.
Coding change: c.1651G>A on transcript NM_000492.4 (MANE Select); coding-DNA position 1651, G replaced by A.
Protein change: p.Gly551Ser; replaces glycine 551 with serine.
Molecular consequence: missense variant.
Genome position (GRCh38, 1-based): chr7:117,587,805, G>A. VCF-style: chr7-117587805-G-A. GRCh37 (hg19) VCF-style: chr7-117227859-G-A.
Other names: short protein forms G551S.
Identifiers: ClinVar variation 7142 (VCV000007142.27), dbSNP rs121909013, ClinGen allele CA325536.